The following is an entry in ClinVar:

ClinVar aggregate classification (germline): Benign/Likely benign. Review status: criteria provided, multiple submitters, no conflicts (2 of 4 stars). 2 submissions from 2 submitters: Benign (1); Likely benign (1). Last evaluated 2024-09-11.

gnomAD v4.1: 391 of 1,565,514 alleles (0.025%); highest among the groups gnomAD compares: African/African-American, 0.35%; no homozygotes.

Submissions (2):

Blueprint Genetics
Classification: Likely benign. Last evaluated: 2024-09-11. Review status: criteria provided, single submitter. Criteria: ACMG Guidelines, 2015. Collection method: clinical testing. Allele origin: germline.

Mayo Clinic Laboratories, Mayo Clinic
Classification: Benign. Last evaluated: 2022-11-08. Review status: criteria provided, single submitter. Criteria: ACMG Guidelines, 2015. Collection method: clinical testing. Allele origin: germline. Observed: 4 variant alleles.
Comment: BS1, BP4, BP7

NM_001009944.3(PKD1):c.8130C>T (p.Thr2710=)

Gene: PKD1 (polycystin 1, transient receptor potential channel interacting; minus strand). Cytogenetic location: 16p13.3.
Variant type: single nucleotide variant.
Coding change: c.8130C>T on transcript NM_001009944.3 (MANE Select); coding-DNA position 8130, C replaced by T.
Protein change: p.Thr2710=; no amino-acid change (threonine 2710 retained).
Molecular consequence: synonymous variant.
Genome position (GRCh38, 1-based): chr16:2,104,529, G>A on the plus strand (C>T on the coding strand, the complement: PKD1 is on the minus strand). VCF-style: chr16-2104529-G-A. GRCh37 (hg19) VCF-style: chr16-2154530-G-A.
Other names: p.Thr2710=; c.8130C>T, p.Thr2710= (NM_000296.4).
Identifiers: ClinVar variation 4684048 (VCV004684048.2).